The following is an entry in ClinVar:

NM_001164508.2(NEB):c.25043A>G (p.Gln8348Arg)

Genes: NEB (nebulin; minus strand), RIF1 (replication timing regulatory factor 1; plus strand). Cytogenetic location: 2q23.3.
Variant type: single nucleotide variant.
Coding change: c.25043A>G on transcript NM_001164508.2 (MANE Select); coding-DNA position 25043, A replaced by G.
Protein change: p.Gln8348Arg; replaces glutamine 8348 with arginine.
Molecular consequence: missense variant.
Genome position (GRCh38, 1-based): chr2:151,492,112, T>C on the plus strand (A>G on the coding strand, the complement: NEB is on the minus strand). VCF-style: chr2-151492112-T-C. GRCh37 (hg19) VCF-style: chr2-152348626-T-C.
Other names: c.25043A>G, p.Gln8348Arg (NM_001164507.2); c.25148A>G, p.Gln8383Arg (NM_001271208.2); c.19475A>G, p.Gln6492Arg (NM_004543.5); short protein forms Q6492R, Q8348R, Q8383R.
Identifiers: ClinVar variation 3900497 (VCV003900497.1).

ClinVar aggregate classification (germline): Uncertain significance (1 of 4 stars; one submission).

gnomAD v4.1: 1 of 1,613,818 alleles (0.000062%); highest among the groups gnomAD compares: Non-Finnish European, 0.000085%; no homozygotes.

Submission:

GeneDx
Classification: Uncertain significance. Last evaluated: 2024-11-21. Review status: criteria provided, single submitter. Criteria: GeneDx Variant Classification Process June 2021. Collection method: clinical testing. Allele origin: germline. Affected: yes.
Comment: Not observed at significant frequency in large population cohorts (gnomAD); In silico analysis indicates that this missense variant does not alter protein structure/function; Has not been previously published as pathogenic or benign to our knowledge